The following is an entry in ClinVar:

NM_017514.5(PLXNA3):c.2649C>T (p.Ser883=)

Gene: PLXNA3 (plexin A3; plus strand). Cytogenetic location: Xq28.
Variant type: single nucleotide variant.
Coding change: c.2649C>T on transcript NM_017514.5 (MANE Select); coding-DNA position 2649, C replaced by T.
Protein change: p.Ser883=; no amino-acid change (serine 883 retained).
Molecular consequence: synonymous variant.
Genome position (GRCh38, 1-based): chrX:154,466,051, C>T. VCF-style: chrX-154466051-C-T. GRCh37 (hg19) VCF-style: chrX-153694394-C-T.
Identifiers: ClinVar variation 4997311 (VCV004997311.1).

ClinVar aggregate classification (germline): Likely benign (1 of 4 stars; one submission).

Conditions:
PLXNA3-related disorder. Also called: PLXNA3-related condition.

gnomAD v4.1: 1 of 1,208,238 alleles (0.000083%); highest among the groups gnomAD compares: African/African-American, 0.0017%; no homozygotes.

Submission:

PreventionGenetics, part of Exact Sciences
Classification: Likely benign for PLXNA3-related condition. Last evaluated: 2026-07-13. Review status: criteria provided, single submitter. Criteria: ACMG Guidelines, 2015. Collection method: clinical testing. Allele origin: germline.
Comment: This variant is classified as likely benign based on ACMG/AMP sequence variant interpretation guidelines (Richards et al. 2015 PMID: 25741868, with internal and published modifications).